The following is an entry in ClinVar:

NM_016239.4(MYO15A):c.10408A>C (p.Thr3470Pro)

Gene: MYO15A (myosin XVA; plus strand). Cytogenetic location: 17p11.2.
Variant type: single nucleotide variant.
Coding change: c.10408A>C on transcript NM_016239.4 (MANE Select); coding-DNA position 10408, A replaced by C.
Protein change: p.Thr3470Pro; replaces threonine 3470 with proline.
Molecular consequence: missense variant.
Genome position (GRCh38, 1-based): chr17:18,173,838, A>C. VCF-style: chr17-18173838-A-C. GRCh37 (hg19) VCF-style: chr17-18077152-A-C.
Other names: short protein forms T3470P.
Identifiers: ClinVar variation 2091256 (VCV002091256.4), dbSNP rs2046977234, ClinGen allele CA398645186.

ClinVar aggregate classification (germline): Uncertain significance (1 of 4 stars; one submission).

Allele frequency attached by ClinVar (database versions not stated): TOPMed below 0.00001.

Submission:

Labcorp Genetics (formerly Invitae), Labcorp
Classification: Uncertain significance. Last evaluated: 2022-01-31. Review status: criteria provided, single submitter. Criteria: Invitae Variant Classification Sherloc (09022015). Collection method: clinical testing. Allele origin: germline.
Comment: In summary, the available evidence is currently insufficient to determine the role of this variant in disease. Therefore, it has been classified as a Variant of Uncertain Significance. Advanced modeling of protein sequence and biophysical properties (such as structural, functional, and spatial information, amino acid conservation, physicochemical variation, residue mobility, and thermodynamic stability) performed at Invitae indicates that this missense variant is not expected to disrupt MYO15A protein function. This variant has not been reported in the literature in individuals affected with MYO15A-related conditions. This variant is not present in population databases (gnomAD no frequency). This sequence change replaces threonine, which is neutral and polar, with proline, which is neutral and non-polar, at codon 3470 of the MYO15A protein (p.Thr3470Pro).